The following is an entry in ClinVar:

ClinVar aggregate classification (germline): Uncertain significance (1 of 4 stars; one submission).

Submission:

Labcorp Genetics (formerly Invitae), Labcorp
Classification: Uncertain significance. Last evaluated: 2024-12-02. Review status: criteria provided, single submitter. Criteria: Invitae Variant Classification Sherloc (09022015). Collection method: clinical testing. Allele origin: germline.
Comment: This sequence change falls in intron 5 of the GNA11 gene. It does not directly change the encoded amino acid sequence of the GNA11 protein. Information on the frequency of this variant in the gnomAD database is not available, as this variant may be reported differently in the database. This variant has not been reported in the literature in individuals affected with GNA11-related conditions. ClinVar contains an entry for this variant (Variation ID: 2881913). Experimental studies and prediction algorithms are not available or were not evaluated, and the effect of this variant on mRNA splicing is currently unknown. In summary, the available evidence is currently insufficient to determine the role of this variant in disease. Therefore, it has been classified as a Variant of Uncertain Significance.

NM_002067.5(GNA11):c.736-20_736-19delinsGT

Gene: GNA11 (G protein subunit alpha 11; plus strand). Cytogenetic location: 19p13.3.
Variant type: Indel.
Coding change: c.736-20_736-19delinsGT on transcript NM_002067.5 (MANE Select); 20 bases into the intron before coding-DNA position 736 through 19 bases into the intron before coding-DNA position 736, TC replaced by GT.
Molecular consequence: intron variant.
Genome position (GRCh38, 1-based): chr19:3,119,186-3,119,187, TC replaced by GT. VCF-style: chr19-3119186-TC-GT. GRCh37 (hg19) VCF-style: chr19-3119184-TC-GT.
Identifiers: ClinVar variation 2881913 (VCV002881913.3), dbSNP rs2512096474, ClinGen allele CA2739276361.